The following is an entry in ClinVar:

ClinVar aggregate classification (germline): Conflicting classifications of pathogenicity. Review status: criteria provided, conflicting classifications (1 of 4 stars). 3 submissions from 3 submitters: Uncertain significance (1); Likely benign (1). 1 of the submissions does not count toward it. Last evaluated 2024-11-13.

Allele frequency attached by ClinVar (database versions not stated): 1000 Genomes Project 0.00180; 1000 Genomes Project 30x 0.00219; ESP Exome Variant Server 0.00269.
gnomAD v4.1: 770 of 1,613,310 alleles (0.048%); highest among the groups gnomAD compares: African/African-American, 0.92%; 6 homozygotes.

Submissions (3):

Blueprint Genetics
Classification: Likely benign. Last evaluated: 2024-11-13. Review status: criteria provided, single submitter. Criteria: ACMG Guidelines, 2015. Collection method: clinical testing. Allele origin: germline.

Breakthrough Genomics
Classification: Uncertain significance. Review status: criteria provided, single submitter. Criteria: ACMG Guidelines, 2015. Collection method: not provided. Allele origin: germline. Inheritance: Autosomal recessive inheritance. Affected: yes.

Department of Pathology and Laboratory Medicine, Sinai Health System
Classification: Uncertain significance. Review status: no assertion criteria provided. Collection method: clinical testing. Allele origin: unknown. Affected: yes. Study: The Canadian Open Genetics Repository (COGR). Not counted in ClinVar's aggregate classification.
Comment: The MPO p.E683Q variant was not identified in the literature nor was it identified in ClinVar or LOVD 3.0. The variant was identified in dbSNP (ID: rs35702888) and in control databases in 234 of 282640 chromosomes (1 homozygous) at a frequency of 0.0008279 increasing the likelihood this could be a low frequency benign variant (Genome Aggregation Database March 6, 2019, v2.1.1). The variant was observed in the following populations: African in 213 of 24936 chromosomes (freq: 0.008542), Other in 4 of 7220 chromosomes (freq: 0.000554), Latino in 15 of 35440 chromosomes (freq: 0.000423) and European (non-Finnish) in 2 of 128998 chromosomes (freq: 0.000016), but was not observed in the Ashkenazi Jewish, East Asian, European (Finnish), or South Asian populations. The p.Glu683 residue is not conserved in mammals and computational analyses (PolyPhen-2, SIFT, AlignGVGD, BLOSUM, MutationTaster) do not suggest a high likelihood of impact to the protein; however, this information is not predictive enough to rule out pathogenicity. The variant occurs outside of the splicing consensus sequence and one of four in silico or computational prediction software programs (SpliceSiteFinder, MaxEntScan, NNSPLICE, GeneSplicer) predict a greater than 10% difference in splicing; this is not very predictive of pathogenicity. In summary, based on the above information the clinical significance of this variant cannot be determined with certainty at this time. This variant is classified as a variant of uncertain significance.

NM_000250.2(MPO):c.2047G>C (p.Glu683Gln)

Gene: MPO (myeloperoxidase; minus strand). Cytogenetic location: 17q22.
Variant type: single nucleotide variant.
Coding change: c.2047G>C on transcript NM_000250.2 (MANE Select); coding-DNA position 2047, G replaced by C.
Protein change: p.Glu683Gln; replaces glutamic acid 683 with glutamine.
Molecular consequence: missense variant.
Genome position (GRCh38, 1-based): chr17:58,270,847, C>G on the plus strand (G>C on the coding strand, the complement: MPO is on the minus strand). VCF-style: chr17-58270847-C-G. GRCh37 (hg19) VCF-style: chr17-56348208-C-G.
Other names: short protein forms E683Q.
Identifiers: ClinVar variation 1049530 (VCV001049530.3), dbSNP rs35702888, ClinGen allele CA8670427.